The following is an entry in ClinVar:

ClinVar aggregate classification (germline): Pathogenic/Likely pathogenic. Review status: criteria provided, multiple submitters, no conflicts (2 of 4 stars). 2 submissions from 2 submitters: Pathogenic (1); Likely pathogenic (1). Last evaluated 2025-10-21.

Conditions:
Breast-ovarian cancer, familial, susceptibility to, 5 (BROVCA5). Identifiers: MedGen C5830615, MONDO:0957530, OMIM 620442.

Submissions (2):

Dasa
Classification: Pathogenic. Last evaluated: 2025-10-21. Review status: criteria provided, single submitter. Criteria: DASA Assertion Criteria. Collection method: clinical testing. Allele origin: germline.
Comment: NM_024675.4(PALB2):c.40A>T (p.Lys14*) introduces a premature termination codon predicted to result in loss of normal protein function. Loss-of-function is an established mechanism of disease for this gene. The affected residue or protein region has prior evidence supporting clinical relevance. The variant is present at low frequency in population datasets. Based on the available data, this variant is classified as pathogenic.

Genesis Genomics
Classification: Likely pathogenic for Breast-ovarian cancer, familial, susceptibility to, 5. Review status: criteria provided, single submitter. Criteria: ACMG Guidelines, 2015. Collection method: clinical testing. Allele origin: germline. Affected: yes. Observed: 1 variant allele.

NM_024675.4(PALB2):c.40A>T (p.Lys14Ter)

Gene: PALB2 (partner and localizer of BRCA2; minus strand). Cytogenetic location: 16p12.2.
Variant type: single nucleotide variant.
Coding change: c.40A>T on transcript NM_024675.4 (MANE Select); coding-DNA position 40, A replaced by T.
Protein change: p.Lys14Ter; replaces lysine 14 with a stop codon.
Molecular consequence: nonsense. On other transcripts: 5 prime UTR variant (8), intron variant (2).
Genome position (GRCh38, 1-based): chr16:23,641,118, T>A on the plus strand (A>T on the coding strand, the complement: PALB2 is on the minus strand). VCF-style: chr16-23641118-T-A. GRCh37 (hg19) VCF-style: chr16-23652439-T-A.
Other names: c.40A>T, p.Lys14Ter (NM_001407296.1, NM_001407297.1, NM_001407298.1 and 5 more transcripts); c.-1704A>T (NM_001407304.1, NM_001407310.1); c.-980A>T (NM_001407305.1, NM_001407307.1, NM_001407309.1 and 1 more transcripts); c.-113A>T (NM_001407312.1, NM_001407313.1); c.-838+9A>T (NM_001407308.1, NM_001407306.1); short protein forms K14*.
Identifiers: ClinVar variation 4845634 (VCV004845634.2).